The following is an entry in ClinVar:

ClinVar aggregate classification (germline): Likely benign (1 of 4 stars; one submission).

gnomAD v4.1: 3 of 1,613,908 alleles (0.00019%); highest among the groups gnomAD compares: Non-Finnish European, 0.00025%; no homozygotes.

Submission:

CeGaT Center for Human Genetics Tuebingen
Classification: Likely benign. Last evaluated: 2026-06-01. Review status: criteria provided, single submitter. Criteria: CeGaT Center For Human Genetics Tuebingen Variant Classification Criteria Version 2. Collection method: clinical testing. Allele origin: germline. Affected: yes. Observed: 1 variant allele.
Comment: KDM6B: BP4, BP7

NM_001348716.2(KDM6B):c.4194C>G (p.Ser1398=)

Genes: KDM6B (lysine demethylase 6B; plus strand), LOC121587574 (Sharpr-MPRA regulatory region 3930; plus strand). Cytogenetic location: 17p13.1.
Variant type: single nucleotide variant.
Coding change: c.4194C>G on transcript NM_001348716.2 (MANE Select); coding-DNA position 4194, C replaced by G.
Protein change: p.Ser1398=; no amino-acid change (serine 1398 retained).
Molecular consequence: synonymous variant.
Genome position (GRCh38, 1-based): chr17:7,851,979, C>G. VCF-style: chr17-7851979-C-G. GRCh37 (hg19) VCF-style: chr17-7755297-C-G.
Other names: c.4194C>G, p.Ser1398= (NM_001080424.2).
Identifiers: ClinVar variation 4873831 (VCV004873831.2).
Genomic context (GRCh38, chr17:7,851,979, plus strand): 5'-CCAGCCATGCCGTTCTCTGTCGACCCCTGCAGGCCACCAGGAGAATAACAACTTCTGCTC[C>G]GTCAACATCAACATTGGCCCAGGCGACTGCGAGTGGTTCGCGGTGCACGAGCACTACTGG-3'
Protein context (NP_001335645.1, residues 1388-1408): PGHQENNNFC[Ser1398=]VNINIGPGDC